The following is an entry in ClinVar:

ClinVar aggregate classification (germline): Benign (1 of 4 stars; one submission).

Submission:

CeGaT Center for Human Genetics Tuebingen
Classification: Benign. Last evaluated: 2026-08-01. Review status: criteria provided, single submitter. Criteria: CeGaT Center For Human Genetics Tuebingen Variant Classification Criteria Version 2. Collection method: clinical testing. Allele origin: germline. Affected: yes. Observed: 5 variant alleles.
Comment: ROS1: BS1, BS2

NM_001378902.1(ROS1):c.5623+1427_5623+1429dup

Gene: ROS1 (ROS proto-oncogene 1, receptor tyrosine kinase; minus strand). Cytogenetic location: 6q22.1.
Variant type: Duplication.
Coding change: c.5623+1427_5623+1429dup on transcript NM_001378902.1 (MANE Select); bases 1427 to 1429 of the intron after coding-DNA position 5623, 3 bases duplicated (ATT; older notation c.5623+1427_5623+1429dupATT).
Molecular consequence: intron variant.
Genome position (GRCh38, 1-based): chr6:117,322,903-117,322,905, AAT duplicated on the plus strand (ATT on the coding strand, the reverse complement: ROS1 is on the minus strand); duplicating any 3 consecutive bases within chr6:117,322,903-117,322,906 gives the same sequence; the c. name uses the placement nearest the transcript's 3' end. VCF-style (leftmost placement, unchanged base first): chr6-117322902-C-CAAT. GRCh37 (hg19) VCF-style: chr6-117644065-C-CAAT.
Other names: c.5641+1427_5641+1429dup (NM_002944.3); c.5629+1427_5629+1429dup (NM_001378891.1).
Identifiers: ClinVar variation 2656871 (VCV002656871.24), dbSNP rs559266039, ClinGen allele CA145987427.